The following is an entry in ClinVar:

NM_004519.4(KCNQ3):c.2038T>G (p.Leu680Val)

Gene: KCNQ3 (potassium voltage-gated channel subfamily Q member 3; minus strand). Cytogenetic location: 8q24.22.
Variant type: single nucleotide variant.
Coding change: c.2038T>G on transcript NM_004519.4 (MANE Select); coding-DNA position 2038, T replaced by G.
Protein change: p.Leu680Val; replaces leucine 680 with valine.
Molecular consequence: missense variant.
Genome position (GRCh38, 1-based): chr8:132,129,843, A>C on the plus strand (T>G on the coding strand, the complement: KCNQ3 is on the minus strand). VCF-style: chr8-132129843-A-C. GRCh37 (hg19) VCF-style: chr8-133142090-A-C.
Other names: c.1678T>G, p.Leu560Val (NM_001204824.2); short protein forms L680V, L560V.
Identifiers: ClinVar variation 478607 (VCV000478607.9), dbSNP rs1223253841, ClinGen allele CA372217077.

ClinVar aggregate classification (germline): Uncertain significance (1 of 4 stars; one submission).

Conditions:
Benign neonatal seizures. Also called: Convulsions benign familial neonatal dominant form; Autosomal dominant form of benign neonatal seizures; Benign familial neonatal seizures; Benign neonatal familial convulsions; Benign familial neonatal epilepsy. Identifiers: Orphanet 1949, MedGen C0220669, MONDO:0016027.

Allele frequency attached by ClinVar (database versions not stated): gnomAD exomes 0.00002.
gnomAD v4.1: 15 of 1,614,102 alleles (0.00093%); highest among the groups gnomAD compares: Non-Finnish European, 0.0012%; no homozygotes.

Submission:

Labcorp Genetics (formerly Invitae), Labcorp
Classification: Uncertain significance for Benign neonatal seizures. Last evaluated: 2025-02-19. Review status: criteria provided, single submitter. Criteria: Invitae Variant Classification Sherloc (09022015). Collection method: clinical testing. Allele origin: germline.
Comment: This sequence change replaces leucine, which is neutral and non-polar, with valine, which is neutral and non-polar, at codon 680 of the KCNQ3 protein (p.Leu680Val). This variant is not present in population databases (gnomAD no frequency). This variant has not been reported in the literature in individuals affected with KCNQ3-related conditions. ClinVar contains an entry for this variant (Variation ID: 478607). Invitae Evidence Modeling of protein sequence and biophysical properties (such as structural, functional, and spatial information, amino acid conservation, physicochemical variation, residue mobility, and thermodynamic stability) indicates that this missense variant is not expected to disrupt KCNQ3 protein function with a negative predictive value of 80%. In summary, the available evidence is currently insufficient to determine the role of this variant in disease. Therefore, it has been classified as a Variant of Uncertain Significance.